The following is an entry in ClinVar:

ClinVar aggregate classification (germline): Benign/Likely benign. Review status: criteria provided, multiple submitters, no conflicts (2 of 4 stars). 2 submissions from 2 submitters: Benign (1); Likely benign (1). Last evaluated 2025-03-27.

Conditions:
Kabuki syndrome. Also called: NIIKAWA-KUROKI SYNDROME; Kabuki make-up syndrome. Identifiers: Orphanet 2322, MedGen C0796004, MONDO:0016512.
KMT2D-related disorder. Also called: KMT2D-Related Disorders.

Allele frequency attached by ClinVar (database versions not stated): ExAC 0.00001; gnomAD 0.00001; TOPMed 0.00001.
gnomAD v4.1: 20 of 1,609,110 alleles (0.0012%); highest among the groups gnomAD compares: Non-Finnish European, 0.0015%; no homozygotes.

Submissions (2):

PreventionGenetics, part of Exact Sciences
Classification: Likely benign for KMT2D-related condition. Last evaluated: 2025-03-27. Review status: criteria provided, single submitter. Criteria: ACMG Guidelines, 2015. Collection method: clinical testing. Allele origin: germline.
Comment: This variant is classified as likely benign based on ACMG/AMP sequence variant interpretation guidelines (Richards et al. 2015 PMID: 25741868, with internal and published modifications).

Labcorp Genetics (formerly Invitae), Labcorp
Classification: Benign for Kabuki syndrome. Last evaluated: 2023-12-11. Review status: criteria provided, single submitter. Criteria: Invitae Variant Classification Sherloc (09022015). Collection method: clinical testing. Allele origin: germline.

NM_003482.4(KMT2D):c.8901C>T (p.Pro2967=)

Gene: KMT2D (lysine methyltransferase 2D; minus strand). Cytogenetic location: 12q13.12.
Variant type: single nucleotide variant.
Coding change: c.8901C>T on transcript NM_003482.4 (MANE Select); coding-DNA position 8901, C replaced by T.
Protein change: p.Pro2967=; no amino-acid change (proline 2967 retained).
Molecular consequence: synonymous variant.
Genome position (GRCh38, 1-based): chr12:49,038,455, G>A on the plus strand (C>T on the coding strand, the complement: KMT2D is on the minus strand). VCF-style: chr12-49038455-G-A. GRCh37 (hg19) VCF-style: chr12-49432238-G-A.
Identifiers: ClinVar variation 2719360 (VCV002719360.4), dbSNP rs767675707, ClinGen allele CA6546775.